The following is an entry in ClinVar:

ClinVar aggregate classification (germline): Uncertain significance (1 of 4 stars; one submission).

Conditions:
Baraitser-Winter syndrome 1 (BRWS1). Also called: PACHYGYRIA, MENTAL RETARDATION, EPILEPSY, AND CHARACTERISTIC FACIES; MENTAL RETARDATION WITH EPILEPSY AND CHARACTERISTIC FACIES; Cerebrofrontofacial syndrome; BARAITSER-WINTER SYNDROME 1, ATYPICAL. Identifiers: Orphanet 2649, Orphanet 2995, MedGen C1855722, MONDO:0009470, OMIM 243310.

Submission:

Clinical Genetics Laboratory, University Hospital Schleswig-Holstein
Classification: Uncertain significance for Baraitser-Winter syndrome 1. Last evaluated: 2025-10-14. Review status: criteria provided, single submitter. Criteria: ACMG Guidelines, 2015. Collection method: clinical testing. Allele origin: germline. Affected: yes. Observed: 1 heterozygote.
Comment: ACMG criteria applied: PM2, PP3

NM_001101.5(ACTB):c.172G>A (p.Ala58Thr)

Gene: ACTB (actin beta; minus strand). Cytogenetic location: 7p22.1.
Variant type: single nucleotide variant.
Coding change: c.172G>A on transcript NM_001101.5 (MANE Select); coding-DNA position 172, G replaced by A.
Protein change: p.Ala58Thr; replaces alanine 58 with threonine.
Molecular consequence: missense variant.
Genome position (GRCh38, 1-based): chr7:5,529,352, C>T on the plus strand (G>A on the coding strand, the complement: ACTB is on the minus strand). VCF-style: chr7-5529352-C-T. GRCh37 (hg19) VCF-style: chr7-5568983-C-T.
Other names: short protein forms A58T.
Identifiers: ClinVar variation 4891247 (VCV004891247.1).